The following is an entry in ClinVar:

ClinVar aggregate classification (germline): Uncertain significance. Review status: criteria provided, multiple submitters, no conflicts (2 of 4 stars). 9 submissions from 6 submitters: Uncertain significance (9). Last evaluated 2024-09-03.

Conditions:
Thyrotoxic periodic paralysis, susceptibility to, 1 (TTPP1). Identifiers: Orphanet 79102, MedGen C2749982, MONDO:0008570, OMIM 188580.
Hypokalemic periodic paralysis, type 1. Also called: Hypokalemic Periodic Paralysis Type 1 (AD); HypoPP. Identifiers: Orphanet 681, MedGen C3714580, MONDO:0042979, OMIM 170400.
Malignant hyperthermia, susceptibility to, 5 (MHS5). Also called: CACNA1S-Related Malignant Hyperthermia Susceptibility. Identifiers: Orphanet 423, MedGen C1866077, MONDO:0011163, OMIM 601887.
Congenital myopathy 18. Also called: Myopathy, congenital, due to dihydropyridine receptor defect; DIHYDROPYRIDINE RECEPTOR CONGENITAL MYOPATHY; DHPR CONGENITAL MYOPATHY. Identifiers: MedGen C5830283, MONDO:0859514, OMIM 620246.
Inborn genetic diseases. Identifiers: MedGen C0950123, MeSH D030342.

Allele frequency attached by ClinVar (database versions not stated): gnomAD 0.00001; TOPMed 0.00004; 1000 Genomes Project 30x 0.00016; 1000 Genomes Project 0.00020.
gnomAD v4.1: 2 of 1,614,212 alleles (0.00012%); highest among the groups gnomAD compares: Admixed American, 0.0017%; no homozygotes.

Submissions (9):

All of Us Research Program, National Institutes of Health
Classification: Uncertain significance for Malignant hyperthermia, susceptibility to, 5. Last evaluated: 2024-09-03. Review status: criteria provided, single submitter. Criteria: ACMG Guidelines, 2015. Collection method: clinical testing. Allele origin: germline. Inheritance: Autosomal dominant inheritance. Observed: 9 variant alleles, 9 heterozygotes.
Comment: This missense variant replaces glutamic acid with aspartic acid at codon 54 of the CACNA1S protein. Computational prediction suggests that this variant may not impact protein structure and function (internally defined REVEL score threshold <= 0.5, PMID: 27666373). To our knowledge, functional studies have not been reported for this variant. This variant has not been reported in individuals affected with CACNA1S-related disorders in the literature. This variant has been identified in 1/251446 chromosomes in the general population by the Genome Aggregation Database (gnomAD). The available evidence is insufficient to determine the role of this variant in disease conclusively. Therefore, this variant is classified as a Variant of Uncertain Significance.

This study involves interpretation of variants in research participants for the purpose of population health screening. Participant phenotype was not available at the time of variant classification. Additional details can be found in publication PMID: 35346344, PMCID: PMC8962531

Color Diagnostics, LLC DBA Color Health
Classification: Uncertain significance for Malignant hyperthermia, susceptibility to, 5. Last evaluated: 2023-11-29. Review status: criteria provided, single submitter. Criteria: ACMG Guidelines, 2015. Collection method: clinical testing. Allele origin: germline.
Comment: This missense variant replaces glutamic acid with aspartic acid at codon 54 of the CACNA1S protein. Computational prediction suggests that this variant may not impact protein structure and function. To our knowledge, functional studies have not been reported for this variant. This variant has not been reported in individuals affected with CACNA1S-related disorders in the literature. This variant has been identified in 1/251446 chromosomes in the general population by the Genome Aggregation Database (gnomAD). The available evidence is insufficient to determine the role of this variant in disease conclusively. Therefore, this variant is classified as a Variant of Uncertain Significance.

Ambry Genetics
Classification: Uncertain significance for Inborn genetic diseases. Last evaluated: 2023-11-14. Review status: criteria provided, single submitter. Criteria: Ambry Variant Classification Scheme 2023. Collection method: clinical testing. Allele origin: germline.

Genome-Nilou Lab
Classification: Uncertain significance for Malignant hyperthermia, susceptibility to, 5. Last evaluated: 2023-04-11. Review status: criteria provided, single submitter. Criteria: ACMG Guidelines, 2015. Collection method: clinical testing. Allele origin: germline. Affected: no.

Genome-Nilou Lab
Classification: Uncertain significance for Thyrotoxic periodic paralysis, susceptibility to, 1. Last evaluated: 2023-04-11. Review status: criteria provided, single submitter. Criteria: ACMG Guidelines, 2015. Collection method: clinical testing. Allele origin: germline. Affected: no.

Genome-Nilou Lab
Classification: Uncertain significance for Congenital myopathy 18. Last evaluated: 2023-04-11. Review status: criteria provided, single submitter. Criteria: ACMG Guidelines, 2015. Collection method: clinical testing. Allele origin: germline. Affected: no.

Genome-Nilou Lab
Classification: Uncertain significance for Hypokalemic periodic paralysis, type 1. Last evaluated: 2023-04-11. Review status: criteria provided, single submitter. Criteria: ACMG Guidelines, 2015. Collection method: clinical testing. Allele origin: germline. Affected: no.

Labcorp Genetics (formerly Invitae), Labcorp
Classification: Uncertain significance for Hypokalemic periodic paralysis, type 1; Malignant hyperthermia, susceptibility to, 5. Last evaluated: 2022-07-25. Review status: criteria provided, single submitter. Criteria: Invitae Variant Classification Sherloc (09022015). Collection method: clinical testing. Allele origin: germline.
Comment: In summary, the available evidence is currently insufficient to determine the role of this variant in disease. Therefore, it has been classified as a Variant of Uncertain Significance. Advanced modeling of protein sequence and biophysical properties (such as structural, functional, and spatial information, amino acid conservation, physicochemical variation, residue mobility, and thermodynamic stability) performed at Invitae indicates that this missense variant is not expected to disrupt CACNA1S protein function. ClinVar contains an entry for this variant (Variation ID: 850619). This variant has not been reported in the literature in individuals affected with CACNA1S-related conditions. This variant is present in population databases (rs569061608, gnomAD no frequency). This sequence change replaces glutamic acid, which is acidic and polar, with aspartic acid, which is acidic and polar, at codon 54 of the CACNA1S protein (p.Glu54Asp).

Fulgent Genetics
Classification: Uncertain significance for Hypokalemic periodic paralysis, type 1; Thyrotoxic periodic paralysis, susceptibility to, 1; Malignant hyperthermia, susceptibility to, 5. Last evaluated: 2021-11-13. Review status: criteria provided, single submitter. Criteria: ACMG Guidelines, 2015. Collection method: clinical testing. Allele origin: unknown.

NM_000069.3(CACNA1S):c.162G>T (p.Glu54Asp)

Gene: CACNA1S (calcium voltage-gated channel subunit alpha1 S; minus strand). Cytogenetic location: 1q32.1.
Variant type: single nucleotide variant.
Coding change: c.162G>T on transcript NM_000069.3 (MANE Select); coding-DNA position 162, G replaced by T.
Protein change: p.Glu54Asp; replaces glutamic acid 54 with aspartic acid.
Molecular consequence: missense variant.
Genome position (GRCh38, 1-based): chr1:201,110,260, C>A on the plus strand (G>T on the coding strand, the complement: CACNA1S is on the minus strand). VCF-style: chr1-201110260-C-A. GRCh37 (hg19) VCF-style: chr1-201079388-C-A.
Other names: short protein forms E54D.
Identifiers: ClinVar variation 850619 (VCV000850619.14), dbSNP rs569061608, ClinGen allele CA078492.